The following is an entry in ClinVar:

ClinVar aggregate classification (germline): Uncertain significance. Review status: criteria provided, multiple submitters, no conflicts (2 of 4 stars). 6 submissions from 5 submitters: Uncertain significance (6). Last evaluated 2025-11-17.

Conditions:
Seckel syndrome 4 (SCKL4). Identifiers: Orphanet 808, MedGen C3888212, MONDO:0013358, OMIM 613676.
Inborn genetic diseases. Identifiers: MedGen C0950123, MeSH D030342.
Microcephaly 6, primary, autosomal recessive. Identifiers: Orphanet 2512, MedGen C1842109, MONDO:0012029, OMIM 608393.

Allele frequency attached by ClinVar (database versions not stated): ExAC 0.00010; gnomAD 0.00012 and 0.00014; gnomAD exomes 0.00014 and 0.00021; TOPMed 0.00014; ESP Exome Variant Server 0.00023.
gnomAD v4.1: 325 of 1,614,052 alleles (0.02%); highest among the groups gnomAD compares: Non-Finnish European, 0.026%; no homozygotes.

Submissions (6):

Labcorp Genetics (formerly Invitae), Labcorp
Classification: Uncertain significance. Last evaluated: 2025-11-17. Review status: criteria provided, single submitter. Criteria: Invitae Variant Classification Sherloc (09022015). Collection method: clinical testing. Allele origin: germline.
Comment: This sequence change replaces proline, which is neutral and non-polar, with serine, which is neutral and polar, at codon 411 of the CENPJ protein (p.Pro411Ser). This variant is present in population databases (rs145433187, gnomAD 0.02%). This variant has not been reported in the literature in individuals affected with CENPJ-related conditions. ClinVar contains an entry for this variant (Variation ID: 434714). Invitae Evidence Modeling of protein sequence and biophysical properties (such as structural, functional, and spatial information, amino acid conservation, physicochemical variation, residue mobility, and thermodynamic stability) indicates that this missense variant is not expected to disrupt CENPJ protein function with a negative predictive value of 80%. In summary, the available evidence is currently insufficient to determine the role of this variant in disease. Therefore, it has been classified as a Variant of Uncertain Significance.

Ambry Genetics
Classification: Uncertain significance for Inborn genetic diseases. Last evaluated: 2024-05-06. Review status: criteria provided, single submitter. Criteria: Ambry Variant Classification Scheme 2023. Collection method: clinical testing. Allele origin: germline.

Illumina Laboratory Services, Illumina
Classification: Uncertain significance for Seckel syndrome 4. Last evaluated: 2018-01-12. Review status: criteria provided, single submitter. Criteria: ICSL Variant Classification Criteria 13 December 2019. Collection method: clinical testing. Allele origin: germline.

Illumina Laboratory Services, Illumina
Classification: Uncertain significance for Microcephaly 6, primary, autosomal recessive. Last evaluated: 2018-01-12. Review status: criteria provided, single submitter. Criteria: ICSL Variant Classification Criteria 13 December 2019. Collection method: clinical testing. Allele origin: germline.

GeneDx
Classification: Uncertain significance. Last evaluated: 2017-11-03. Review status: criteria provided, single submitter. Criteria: GeneDx Variant Classification (06012015). Collection method: clinical testing. Allele origin: germline. Affected: yes.
Comment: A variant of uncertain significance has been identified in the CENPJ gene. The P411S variant has notbeen published as a pathogenic variant, nor has it been reported as a benign variant to our knowledge. This variant is observed in 30/126618 (0.02%) alleles from individuals of European background, in large population cohorts (Lek et al., 2016). The P411S variant is a non-conservative amino acidsubstitution, which is likely to impact secondary protein structure as these residues differ in polarity, charge, size and/or other properties. However, this substitution occurs at a position that is not conserved, and in silico analysis predicts this variant likely does not alter the proteinstructure/function. Therefore, based on the currently available information, it is unclear whether this variant is a pathogenic variant or a rare benign variant.

Genetic Services Laboratory, University of Chicago
Classification: Uncertain significance. Last evaluated: 2017-04-12. Review status: criteria provided, single submitter. Criteria: ACMG Guidelines, 2015. Collection method: clinical testing. Allele origin: germline. Affected: no.

NM_018451.5(CPAP):c.1231C>T (p.Pro411Ser)

Gene: CPAP (centrosome assembly and centriole elongation protein; minus strand). Cytogenetic location: 13q12.13.
Variant type: single nucleotide variant.
Coding change: c.1231C>T on transcript NM_018451.5 (MANE Select); coding-DNA position 1231, C replaced by T.
Protein change: p.Pro411Ser; replaces proline 411 with serine.
Molecular consequence: missense variant. On other transcripts: non-coding transcript variant (2).
Genome position (GRCh38, 1-based): chr13:24,906,807, G>A on the plus strand (C>T on the coding strand, the complement: CPAP is on the minus strand). VCF-style: chr13-24906807-G-A. GRCh37 (hg19) VCF-style: chr13-25480945-G-A.
Other names: short protein forms P411S.
Identifiers: ClinVar variation 434714 (VCV000434714.15), dbSNP rs145433187, ClinGen allele CA6919793.